The following is an entry in ClinVar:

NM_080473.5(GATA5):c.1160G>T (p.Arg387Leu)

Gene: GATA5 (GATA binding protein 5; minus strand). Cytogenetic location: 20q13.33.
Variant type: single nucleotide variant.
Coding change: c.1160G>T on transcript NM_080473.5 (MANE Select); coding-DNA position 1160, G replaced by T.
Protein change: p.Arg387Leu; replaces arginine 387 with leucine.
Molecular consequence: missense variant.
Genome position (GRCh38, 1-based): chr20:62,464,870, C>A on the plus strand (G>T on the coding strand, the complement: GATA5 is on the minus strand). VCF-style: chr20-62464870-C-A. GRCh37 (hg19) VCF-style: chr20-61039926-C-A.
Other names: short protein forms R387L.
Identifiers: ClinVar variation 2800412 (VCV002800412.3), dbSNP rs145330430, ClinGen allele CA409551619.
Genomic context (GRCh38, chr20:62,464,870, plus strand): 5'-CCCCTGACATGGGCTGGCCTGGGGACCTAGGCCAAGGCCAGCGCACACCAGGCCTCTTGG[C>A]GCAGAGCCCCCCTGAGGCCAGCCTGGGGGCTTGGGGCCGTGGAGGGGAAGGCAAAGTCCT-3'
Protein context (NP_536721.1, residues 377-397): SPQAGLRGAL[Arg387Leu]QEAWCALALA

ClinVar aggregate classification (germline): Uncertain significance (1 of 4 stars; one submission).

gnomAD v4.1: 1 of 1,609,212 alleles (0.000062%); highest among the groups gnomAD compares: East Asian, 0.0022%; no homozygotes.

Submission:

Labcorp Genetics (formerly Invitae), Labcorp
Classification: Uncertain significance. Last evaluated: 2023-07-28. Review status: criteria provided, single submitter. Criteria: Invitae Variant Classification Sherloc (09022015). Collection method: clinical testing. Allele origin: germline.
Comment: In summary, the available evidence is currently insufficient to determine the role of this variant in disease. Therefore, it has been classified as a Variant of Uncertain Significance. An algorithm developed to predict the effect of missense changes on protein structure and function (PolyPhen-2) suggests that this variant is likely to be tolerated. This variant has not been reported in the literature in individuals affected with GATA5-related conditions. This variant is present in population databases (no rsID available, gnomAD 0.006%). This sequence change replaces arginine, which is basic and polar, with leucine, which is neutral and non-polar, at codon 387 of the GATA5 protein (p.Arg387Leu).